The following is an entry in ClinVar:

NM_004444.5(EPHB4):c.2398G>A (p.Ala800Thr)

Genes: EPHB4 (EPH receptor B4; minus strand), LOC126860124 (CDK7 strongly-dependent group 2 enhancer GRCh37_chr7:100403701-100404900; plus strand). Cytogenetic location: 7q22.1.
Variant type: single nucleotide variant.
Coding change: c.2398G>A on transcript NM_004444.5 (MANE Select); coding-DNA position 2398, G replaced by A.
Protein change: p.Ala800Thr; replaces alanine 800 with threonine.
Molecular consequence: missense variant.
Genome position (GRCh38, 1-based): chr7:100,806,506, C>T on the plus strand (G>A on the coding strand, the complement: EPHB4 is on the minus strand). VCF-style: chr7-100806506-C-T. GRCh37 (hg19) VCF-style: chr7-100404128-C-T.
Other names: short protein forms A800T.
Identifiers: ClinVar variation 2899266 (VCV002899266.3), dbSNP rs761850149, ClinGen allele CA4392654.

ClinVar aggregate classification (germline): Uncertain significance (1 of 4 stars; one submission).

Allele frequency attached by ClinVar (database versions not stated): ExAC 0.00001; gnomAD 0.00001; TOPMed 0.00001.
gnomAD v4.1: 14 of 1,613,940 alleles (0.00087%); highest among the groups gnomAD compares: African/African-American, 0.0067%; 1 homozygote.

Submission:

Labcorp Genetics (formerly Invitae), Labcorp
Classification: Uncertain significance. Last evaluated: 2023-06-16. Review status: criteria provided, single submitter. Criteria: Invitae Variant Classification Sherloc (09022015). Collection method: clinical testing. Allele origin: germline.
Comment: This variant is present in population databases (rs761850149, gnomAD 0.004%). In summary, the available evidence is currently insufficient to determine the role of this variant in disease. Therefore, it has been classified as a Variant of Uncertain Significance. Advanced modeling of protein sequence and biophysical properties (such as structural, functional, and spatial information, amino acid conservation, physicochemical variation, residue mobility, and thermodynamic stability) performed at Invitae indicates that this missense variant is expected to disrupt EPHB4 protein function. This variant has not been reported in the literature in individuals affected with EPHB4-related conditions. This sequence change replaces alanine, which is neutral and non-polar, with threonine, which is neutral and polar, at codon 800 of the EPHB4 protein (p.Ala800Thr).